The following is an entry in ClinVar:

ClinVar aggregate classification (germline): Uncertain significance (0 of 4 stars; one submission).

Conditions:
GNAS-related disorder. Identifiers: MedGen CN380105.

Allele frequency attached by ClinVar (database versions not stated): ExAC 0.00003; gnomAD exomes 0.00005; gnomAD 0.00001.
gnomAD v4.1: 74 of 1,608,832 alleles (0.0046%); highest among the groups gnomAD compares: Admixed American, 0.01%; no homozygotes.

Submission:

PreventionGenetics, part of Exact Sciences
Classification: Uncertain significance for GNAS-related condition. Last evaluated: 2024-02-22. Review status: no assertion criteria provided. Collection method: clinical testing. Allele origin: germline.
Comment: The GNAS c.506G>A variant is predicted to result in the amino acid substitution p.Arg169Gln. To our knowledge, this variant has not been reported in the literature. In the more commonly reported transcript (NM_000516.5), this variant is pre-coding (c.-51115G>A). This variant is reported in 0.014% of alleles in individuals of Latino descent in gnomAD, which may be too common to be an undocumented primary cause of disease. Although we suspect that this variant may be benign, at this time, the clinical significance of this variant is uncertain due to the absence of conclusive functional and genetic evidence.

NM_016592.5(GNAS):c.506G>A (p.Arg169Gln)

Genes: GNAS-AS1 (GNAS antisense RNA 1; minus strand), GNAS (GNAS complex locus; plus strand). Cytogenetic location: 20q13.32.
Variant type: single nucleotide variant.
Coding change: c.506G>A on transcript NM_016592.5 (MANE Plus Clinical); coding-DNA position 506, G replaced by A.
Protein change: p.Arg169Gln; replaces arginine 169 with glutamine.
Molecular consequence: missense variant. On other transcripts: 5 prime UTR variant (1).
Genome position (GRCh38, 1-based): chr20:58,840,612, G>A. VCF-style: chr20-58840612-G-A. GRCh37 (hg19) VCF-style: chr20-57415667-G-A.
Other names: c.-232G>A (NM_001410912.1); short protein forms R169Q.
Identifiers: ClinVar variation 3043388 (VCV003043388.2), dbSNP rs768082058, ClinGen allele CA9926346.